The following is an entry in ClinVar:

ClinVar aggregate classification (germline): Uncertain significance (1 of 4 stars; one submission).

Allele frequency attached by ClinVar (database versions not stated): gnomAD exomes below 0.00001; gnomAD 0.00001.
gnomAD v4.1: 2 of 1,613,784 alleles (0.00012%); highest among the groups gnomAD compares: Non-Finnish European, 0.00017%; no homozygotes.

Submission:

Labcorp Genetics (formerly Invitae), Labcorp
Classification: Uncertain significance. Last evaluated: 2024-01-04. Review status: criteria provided, single submitter. Criteria: Invitae Variant Classification Sherloc (09022015). Collection method: clinical testing. Allele origin: germline.
Comment: This sequence change replaces glutamine, which is neutral and polar, with arginine, which is basic and polar, at codon 622 of the OPA1 protein (p.Gln622Arg). This variant is present in population databases (no rsID available, gnomAD 0.007%). This variant has not been reported in the literature in individuals affected with OPA1-related conditions. Advanced modeling of protein sequence and biophysical properties (such as structural, functional, and spatial information, amino acid conservation, physicochemical variation, residue mobility, and thermodynamic stability) performed at Invitae indicates that this missense variant is not expected to disrupt OPA1 protein function with a negative predictive value of 80%. In summary, the available evidence is currently insufficient to determine the role of this variant in disease. Therefore, it has been classified as a Variant of Uncertain Significance.

NM_130837.3(OPA1):c.2030A>G (p.Gln677Arg)

Gene: OPA1 (OPA1 mitochondrial dynamin like GTPase; plus strand). Cytogenetic location: 3q29.
Variant type: single nucleotide variant.
Coding change: c.2030A>G on transcript NM_130837.3 (MANE Select); coding-DNA position 2030, A replaced by G.
Protein change: p.Gln677Arg; replaces glutamine 677 with arginine.
Molecular consequence: missense variant.
Genome position (GRCh38, 1-based): chr3:193,654,879, A>G. VCF-style: chr3-193654879-A-G. GRCh37 (hg19) VCF-style: chr3-193372668-A-G.
Other names: c.1496A>G, p.Gln499Arg (NM_001354663.2); c.1493A>G, p.Gln498Arg (NM_001354664.2); c.1865A>G, p.Gln622Arg (NM_015560.3); c.1757A>G, p.Gln586Arg (NM_130831.3); c.1811A>G, p.Gln604Arg (NM_130832.3); c.1868A>G, p.Gln623Arg (NM_130833.3); c.1919A>G, p.Gln640Arg (NM_130834.3); c.1922A>G, p.Gln641Arg (NM_130835.3); and 1 more; short protein forms Q622R, Q640R, Q499R, Q586R, Q659R, Q604R, Q623R, Q641R.
Identifiers: ClinVar variation 3009455 (VCV003009455.3), dbSNP rs1240919699, ClinGen allele CA355791003.